The following is an entry in ClinVar:

ClinVar aggregate classification (germline): Uncertain significance (1 of 4 stars; one submission).

Conditions:
Lafora disease. Also called: Epilepsy progressive myoclonic 2; Progressive Myoclonus Epilepsy, Lafora Type. Identifiers: Orphanet 501, MedGen C0751783, MONDO:0009697.

Allele frequency attached by ClinVar (database versions not stated): gnomAD exomes below 0.00001.

Submission:

Labcorp Genetics (formerly Invitae), Labcorp
Classification: Uncertain significance for Lafora disease. Last evaluated: 2022-02-05. Review status: criteria provided, single submitter. Criteria: Invitae Variant Classification Sherloc (09022015). Collection method: clinical testing. Allele origin: germline.
Comment: In summary, the available evidence is currently insufficient to determine the role of this variant in disease. Therefore, it has been classified as a Variant of Uncertain Significance. Algorithms developed to predict the effect of missense changes on protein structure and function (SIFT, PolyPhen-2, Align-GVGD) all suggest that this variant is likely to be disruptive. This variant has not been reported in the literature in individuals affected with NHLRC1-related conditions. This variant is not present in population databases (gnomAD no frequency). This sequence change replaces glycine, which is neutral and non-polar, with valine, which is neutral and non-polar, at codon 220 of the NHLRC1 protein (p.Gly220Val).

NM_198586.3(NHLRC1):c.659G>T (p.Gly220Val)

Gene: NHLRC1 (NHL repeat containing E3 ubiquitin protein ligase 1; minus strand). Cytogenetic location: 6p22.3.
Variant type: single nucleotide variant.
Coding change: c.659G>T on transcript NM_198586.3 (MANE Select); coding-DNA position 659, G replaced by T.
Protein change: p.Gly220Val; replaces glycine 220 with valine.
Molecular consequence: missense variant.
Genome position (GRCh38, 1-based): chr6:18,121,948, C>A on the plus strand (G>T on the coding strand, the complement: NHLRC1 is on the minus strand). VCF-style: chr6-18121948-C-A. GRCh37 (hg19) VCF-style: chr6-18122179-C-A.
Other names: short protein forms G220V.
Identifiers: ClinVar variation 1496940 (VCV001496940.8), dbSNP rs1449381352, ClinGen allele CA362826654.